The following is an entry in ClinVar:

NM_005477.3(HCN4):c.2626C>T (p.Pro876Ser)

Gene: HCN4 (hyperpolarization activated cyclic nucleotide gated potassium channel 4; minus strand). Cytogenetic location: 15q24.1.
Variant type: single nucleotide variant.
Coding change: c.2626C>T on transcript NM_005477.3 (MANE Select); coding-DNA position 2626, C replaced by T.
Protein change: p.Pro876Ser; replaces proline 876 with serine.
Molecular consequence: missense variant.
Genome position (GRCh38, 1-based): chr15:73,323,467, G>A on the plus strand (C>T on the coding strand, the complement: HCN4 is on the minus strand). VCF-style: chr15-73323467-G-A. GRCh37 (hg19) VCF-style: chr15-73615808-G-A.
Other names: short protein forms P876S.
Identifiers: ClinVar variation 2119392 (VCV002119392.4), dbSNP rs1414309985, ClinGen allele CA393088524.

ClinVar aggregate classification (germline): Uncertain significance (1 of 4 stars; one submission).

Conditions:
Brugada syndrome 8 (BRGDA8). Identifiers: Orphanet 130, MedGen C2751083, MONDO:0013148, OMIM 613123.

Allele frequency attached by ClinVar (database versions not stated): gnomAD exomes below 0.00001.
gnomAD v4.1: 1 of 1,607,292 alleles (0.000062%); highest among the groups gnomAD compares: South Asian, 0.0011%; no homozygotes.

Submission:

Labcorp Genetics (formerly Invitae), Labcorp
Classification: Uncertain significance for Brugada syndrome 8. Last evaluated: 2022-03-29. Review status: criteria provided, single submitter. Criteria: Invitae Variant Classification Sherloc (09022015). Collection method: clinical testing. Allele origin: germline.
Comment: In summary, the available evidence is currently insufficient to determine the role of this variant in disease. Therefore, it has been classified as a Variant of Uncertain Significance. This sequence change replaces proline, which is neutral and non-polar, with serine, which is neutral and polar, at codon 876 of the HCN4 protein (p.Pro876Ser). This variant is present in population databases (no rsID available, gnomAD 0.003%). This variant has not been reported in the literature in individuals affected with HCN4-related conditions. Advanced modeling of protein sequence and biophysical properties (such as structural, functional, and spatial information, amino acid conservation, physicochemical variation, residue mobility, and thermodynamic stability) performed at Invitae indicates that this missense variant is not expected to disrupt HCN4 protein function.